The following is an entry in ClinVar:

NM_006949.4(STXBP2):c.165C>T (p.Ile55=)

Gene: STXBP2 (syntaxin binding protein 2; plus strand). Cytogenetic location: 19p13.2.
Variant type: single nucleotide variant.
Coding change: c.165C>T on transcript NM_006949.4 (MANE Select); coding-DNA position 165, C replaced by T.
Protein change: p.Ile55=; no amino-acid change (isoleucine 55 retained).
Molecular consequence: synonymous variant. On other transcripts: non-coding transcript variant (1).
Genome position (GRCh38, 1-based): chr19:7,639,096, C>T. VCF-style: chr19-7639096-C-T. GRCh37 (hg19) VCF-style: chr19-7703982-C-T.
Other names: p.Ile55=; c.165C>T, p.Ile55= (NM_001127396.3, NM_001272034.2).
Identifiers: ClinVar variation 260096 (VCV000260096.24), dbSNP rs11538945, ClinGen allele CA9143141.
Genomic context (GRCh38, chr19:7,639,096, plus strand): 5'-CCCAAGCATGCGCATCTTGTCTTCCTGCTGCAAAATGTCAGATATCCTGGCTGAGGGCAT[C>T]ACCAGTGAGTGAACGCGTCCCCAGTGAGATGGGACCTGAGCGTGGGAACCCCTGACTGTG-3'
Protein context (NP_008880.2, residues 45-65): CKMSDILAEG[Ile55=]TIVEDINKRR

ClinVar aggregate classification (germline): Benign/Likely benign. Review status: criteria provided, multiple submitters, no conflicts (2 of 4 stars). 7 submissions from 7 submitters: Benign (2); Likely benign (5). Last evaluated 2026-02-02.

Conditions:
Familial hemophagocytic lymphohistiocytosis 5. Also called: STXBP2-Related Familial Hemophagocytic Lymphohistiocytosis (STXBP2-fHLH). Identifiers: Orphanet 540, MedGen C2751293, MONDO:0013135, OMIM 613101.
Autoinflammatory syndrome. Identifiers: Orphanet 93665, MedGen C3890737, MONDO:0019751.

Allele frequency attached by ClinVar (database versions not stated): ESP Exome Variant Server 0.00008; gnomAD 0.00060 and 0.00103; gnomAD exomes 0.00061 and 0.00207; TOPMed 0.00135; ExAC 0.00202; 1000 Genomes Project 30x 0.00718; 1000 Genomes Project 0.00799.
gnomAD v4.1: 1,090 of 1,614,204 alleles (0.068%); highest among the groups gnomAD compares: East Asian, 2%; 9 homozygotes.

Submissions (7):

Labcorp Genetics (formerly Invitae), Labcorp
Classification: Benign for Familial hemophagocytic lymphohistiocytosis 5. Last evaluated: 2026-02-02. Review status: criteria provided, single submitter. Criteria: Invitae Variant Classification Sherloc (09022015). Collection method: clinical testing. Allele origin: germline.

Mayo Clinic Laboratories, Mayo Clinic
Classification: Benign. Last evaluated: 2024-10-29. Review status: criteria provided, single submitter. Criteria: ACMG Guidelines, 2015. Collection method: clinical testing. Allele origin: germline. Observed: 5 variant alleles.
Comment: BS1, BS2, BP4, BP7

Fulgent Genetics
Classification: Likely benign for Familial hemophagocytic lymphohistiocytosis 5. Last evaluated: 2022-04-20. Review status: criteria provided, single submitter. Criteria: ACMG Guidelines, 2015. Collection method: clinical testing. Allele origin: unknown.

Genome Diagnostics Laboratory, The Hospital for Sick Children
Classification: Likely benign for Autoinflammatory syndrome. Last evaluated: 2020-05-01. Review status: criteria provided, single submitter. Criteria: ACMG Guidelines, 2015. Collection method: clinical testing. Allele origin: germline. Affected: yes.

Genetic Services Laboratory, University of Chicago
Classification: Likely benign. Last evaluated: 2015-11-12. Review status: criteria provided, single submitter. Criteria: ACMG Guidelines, 2015. Collection method: clinical testing. Allele origin: germline. Affected: no.

Breakthrough Genomics
Classification: Likely benign. Review status: criteria provided, single submitter. Criteria: ACMG Guidelines, 2015. Collection method: not provided. Allele origin: germline. Inheritance: Autosomal recessive inheritance. Affected: yes.

PreventionGenetics, part of Exact Sciences
Classification: Likely benign. Review status: criteria provided, single submitter. Criteria: ACMG Guidelines, 2015. Collection method: clinical testing. Allele origin: germline.